The following is an entry in ClinVar:

NM_015909.4(NBAS):c.7062C>G (p.His2354Gln)

Gene: NBAS (NBAS subunit of NRZ tethering complex; minus strand). Cytogenetic location: 2p24.3.
Variant type: single nucleotide variant.
Coding change: c.7062C>G on transcript NM_015909.4 (MANE Select); coding-DNA position 7062, C replaced by G.
Protein change: p.His2354Gln; replaces histidine 2354 with glutamine.
Molecular consequence: missense variant. On other transcripts: non-coding transcript variant (1).
Genome position (GRCh38, 1-based): chr2:15,167,102, G>C on the plus strand (C>G on the coding strand, the complement: NBAS is on the minus strand). VCF-style: chr2-15167102-G-C. GRCh37 (hg19) VCF-style: chr2-15307226-G-C.
Other names: c.7062C>G (NM_015909.2); short protein forms H2354Q.
Identifiers: ClinVar variation 1920133 (VCV001920133.3), dbSNP rs1329818074, ClinGen allele CA345910737.

ClinVar aggregate classification (germline): Uncertain significance. Review status: criteria provided, multiple submitters, no conflicts (2 of 4 stars). 2 submissions from 2 submitters: Uncertain significance (2). Last evaluated 2024-07-14.

Conditions:
Inborn genetic diseases. Identifiers: MedGen C0950123, MeSH D030342.

Allele frequency attached by ClinVar (database versions not stated): gnomAD 0.00001; TOPMed 0.00001.
gnomAD v4.1: 17 of 1,613,266 alleles (0.0011%); highest among the groups gnomAD compares: Non-Finnish European, 0.0014%; no homozygotes.

Submissions (2):

Ambry Genetics
Classification: Uncertain significance for Inborn genetic diseases. Last evaluated: 2024-07-14. Review status: criteria provided, single submitter. Criteria: Ambry Variant Classification Scheme 2023. Collection method: clinical testing. Allele origin: germline.

Labcorp Genetics (formerly Invitae), Labcorp
Classification: Uncertain significance. Last evaluated: 2022-07-08. Review status: criteria provided, single submitter. Criteria: Invitae Variant Classification Sherloc (09022015). Collection method: clinical testing. Allele origin: germline.
Comment: This sequence change replaces histidine, which is basic and polar, with glutamine, which is neutral and polar, at codon 2354 of the NBAS protein (p.His2354Gln). This variant is present in population databases (no rsID available, gnomAD 0.0009%). This variant has not been reported in the literature in individuals affected with NBAS-related conditions. Algorithms developed to predict the effect of missense changes on protein structure and function are either unavailable or do not agree on the potential impact of this missense change (SIFT: "Deleterious"; PolyPhen-2: "Probably Damaging"; Align-GVGD: "Class C15"). In summary, the available evidence is currently insufficient to determine the role of this variant in disease. Therefore, it has been classified as a Variant of Uncertain Significance.